The following is an entry in ClinVar:

ClinVar aggregate classification (germline): Likely pathogenic (1 of 4 stars; one submission).

Conditions:
Fanconi anemia (FA). Also called: Fanconi's anemia. Identifiers: Orphanet 84, MedGen C0015625, MeSH D005199, MONDO:0019391.

Submission:

Natera, Inc.
Classification: Likely pathogenic for Fanconi anemia. Last evaluated: 2025-07-10. Review status: criteria provided, single submitter. Criteria: Natera Variant Classification Schema (03/2026). Collection method: clinical testing. Allele origin: germline.
Comment: The c.276del variant in FANCC is a frameshift variant predicted to shift the reading frame beginning at codon 92 and leads to a stop codon 6 codons downstream. This variant is expected to result in nonsense mediated decay, truncation, or a dysfunctional protein product. This variant is rare in the general population with a frequency below the threshold expected for the associated phenotype(s). Given the available evidence, this variant is classified as Likely Pathogenic.

NM_000136.3(FANCC):c.276del (p.Trp92fs)

Gene: FANCC (FA complementation group C; minus strand). Cytogenetic location: 9q22.32.
Variant type: Deletion.
Coding change: c.276del on transcript NM_000136.3 (MANE Select); coding-DNA position 276, one base deleted (G; older notation c.276delG).
Protein change: p.Trp92fs; shifts the reading frame from tryptophan 92.
Molecular consequence: frameshift variant.
Genome position (GRCh38, 1-based): chr9:95,240,718, C deleted on the plus strand (G on the coding strand, the reverse complement: FANCC is on the minus strand); the first of 2 consecutive C bases (chr9:95,240,718-95,240,719); deleting either gives the same sequence. VCF-style (leftmost placement, unchanged base first): chr9-95240717-AC-A. GRCh37 (hg19) VCF-style: chr9-98002999-AC-A.
Other names: c.275delG, p.Trp92Cysfs (NM_000136.2); c.276del, p.Trp92fs (NM_001243743.2, NM_001243744.2); short protein forms W92fs.
Identifiers: ClinVar variation 4817548 (VCV004817548.1).